The following is an entry in ClinVar:

NM_006946.4(SPTBN2):c.1245C>T (p.Thr415=)

Gene: SPTBN2 (spectrin beta, non-erythrocytic 2; minus strand). Cytogenetic location: 11q13.2.
Variant type: single nucleotide variant.
Coding change: c.1245C>T on transcript NM_006946.4 (MANE Select); coding-DNA position 1245, C replaced by T.
Protein change: p.Thr415=; no amino-acid change (threonine 415 retained).
Molecular consequence: synonymous variant.
Genome position (GRCh38, 1-based): chr11:66,708,246, G>A on the plus strand (C>T on the coding strand, the complement: SPTBN2 is on the minus strand). VCF-style: chr11-66708246-G-A. GRCh37 (hg19) VCF-style: chr11-66475717-G-A.
Other names: c.1266C>T, p.Thr422= (NM_001411025.1).
Identifiers: ClinVar variation 1905055 (VCV001905055.29), dbSNP rs146719338, ClinGen allele CA475373507.

ClinVar aggregate classification (germline): Likely benign. Review status: criteria provided, multiple submitters, no conflicts (2 of 4 stars). 2 submissions from 2 submitters: Likely benign (2). Last evaluated 2023-06-01.

gnomAD v4.1: 15 of 1,609,944 alleles (0.00093%); highest among the groups gnomAD compares: East Asian, 0.0045%; no homozygotes.

Submissions (2):

CeGaT Center for Human Genetics Tuebingen
Classification: Likely benign. Last evaluated: 2023-06-01. Review status: criteria provided, single submitter. Criteria: CeGaT Center For Human Genetics Tuebingen Variant Classification Criteria Version 2. Collection method: clinical testing. Allele origin: germline. Affected: yes. Observed: 1 variant allele.
Comment: SPTBN2: BP4, BP7

Labcorp Genetics (formerly Invitae), Labcorp
Classification: Likely benign. Last evaluated: 2023-05-21. Review status: criteria provided, single submitter. Criteria: Invitae Variant Classification Sherloc (09022015). Collection method: clinical testing. Allele origin: germline.